The following is an entry in ClinVar:

NM_001365536.1(SCN9A):c.1828C>A (p.Pro610Thr)

Genes: SCN9A (sodium voltage-gated channel alpha subunit 9; minus strand), SCN1A-AS1 (SCN1A and SCN9A antisense RNA 1; plus strand). Cytogenetic location: 2q24.3.
Variant type: single nucleotide variant.
Coding change: c.1828C>A on transcript NM_001365536.1 (MANE Select); coding-DNA position 1828, C replaced by A.
Protein change: p.Pro610Thr; replaces proline 610 with threonine.
Molecular consequence: missense variant.
Genome position (GRCh38, 1-based): chr2:166,284,599, G>T on the plus strand (C>A on the coding strand, the complement: SCN9A is on the minus strand). VCF-style: chr2-166284599-G-T. GRCh37 (hg19) VCF-style: chr2-167141109-G-T.
Other names: c.1828C>A, p.Pro610Thr (NM_002977.4); short protein forms P610T.
Identifiers: ClinVar variation 21344 (VCV000021344.48), dbSNP rs41268673, ClinGen allele CA155119.

ClinVar aggregate classification (germline): Benign/Likely benign. Review status: criteria provided, multiple submitters, no conflicts (2 of 4 stars). 20 submissions from 18 submitters: Benign (12); Likely benign (3). 5 of the submissions do not count toward it. Last evaluated 2026-02-04.

Conditions:
Generalized epilepsy with febrile seizures plus, type 7 (GEFSP7). Also called: GEFS+, TYPE 7. Identifiers: Orphanet 36387, MedGen C2751778, MONDO:0013470, OMIM 613863.
Neuropathy, hereditary sensory and autonomic, type 2A (HSAN2A). Also called: MORVAN DISEASE; NEUROPATHY, CONGENITAL SENSORY; NEUROPATHY, HEREDITARY SENSORY RADICULAR, AUTOSOMAL RECESSIVE; NEUROPATHY, HEREDITARY SENSORY, TYPE IIA; NEUROPATHY, PROGRESSIVE SENSORY, OF CHILDREN; ACROOSTEOLYSIS, GIACCAI TYPE. Identifiers: Orphanet 970, MedGen C2752089, MONDO:0024309, OMIM 201300.
Primary erythromelalgia. Also called: primary erythermalgia; SCN9A Erythromelalgia (SCN9A-EM). Identifiers: Orphanet 306577, Orphanet 90026, MedGen C0014805, MONDO:0007571, OMIM 133020.
Channelopathy-associated congenital insensitivity to pain, autosomal recessive. Also called: ASYMBOLIA FOR PAIN; CONGENITAL ANALGESIA, AUTOSOMAL RECESSIVE; Insensitivity to pain, channelopathy-associated. Identifiers: Orphanet 88642, Orphanet 970, MedGen C1855739, MONDO:0009459, OMIM 243000.
Paroxysmal extreme pain disorder (PEXPD). Also called: SCN9A Paroxysmal Extreme Pain Disorder (SCN9A-PEPD); PAIN, SUBMANDIBULAR, OCULAR, AND RECTAL, WITH FLUSHING; RECTAL PAIN, FAMILIAL. Identifiers: Orphanet 46348, MedGen C1833661, MONDO:0008179, OMIM 167400.

Allele frequency attached by ClinVar (database versions not stated): 1000 Genomes Project 0.01238; TOPMed 0.01948; ESP Exome Variant Server 0.02135; 1000 Genomes Project 30x 0.01327; ExAC 0.02403.
gnomAD v4.1: 42,042 of 1,614,034 alleles (2.6%); highest among the groups gnomAD compares: Non-Finnish European, 2.9%; 674 homozygotes.

Submissions (20):

Labcorp Genetics (formerly Invitae), Labcorp
Classification: Benign for Neuropathy, hereditary sensory and autonomic, type 2A; Generalized epilepsy with febrile seizures plus, type 7. Last evaluated: 2026-02-04. Review status: criteria provided, single submitter. Criteria: Invitae Variant Classification Sherloc (09022015). Collection method: clinical testing. Allele origin: germline.

ARUP Laboratories, Molecular Genetics and Genomics, ARUP Laboratories
Classification: Benign. Last evaluated: 2025-06-26. Review status: criteria provided, single submitter. Criteria: ARUP Molecular Germline Variant Investigation Process 2024. Collection method: clinical testing. Allele origin: germline.

Blueprint Genetics
Classification: Benign. Last evaluated: 2024-11-26. Review status: criteria provided, single submitter. Criteria: ACMG Guidelines, 2015. Collection method: clinical testing. Allele origin: germline.

Athena Diagnostics
Classification: Benign. Last evaluated: 2024-04-24. Review status: criteria provided, single submitter. Criteria: Athena Diagnostics Criteria. Collection method: clinical testing. Allele origin: unknown.

Victorian Clinical Genetics Services, Murdoch Childrens Research Institute
Classification: Likely benign for Channelopathy-associated congenital insensitivity to pain, autosomal recessive. Last evaluated: 2023-07-17. Review status: criteria provided, single submitter. Criteria: ACMG Guidelines, 2015. Collection method: clinical testing. Allele origin: germline. Inheritance: Autosomal recessive inheritance.
Comment: Based on the classification scheme VCGS_Germline_v1.3.4, this variant is classified as likely benign. Following criteria are met: 0308 - Population frequency for this variant is out of keeping with known incidence of insensitivity to pain, congenital (MIM#243000), with 50 homozygotes in gnomAD v3. (SB) Legend: (SP) - Supporting pathogenic, (I) - Information, (SB) - Supporting benign

Molecular Genetics, Royal Melbourne Hospital
Classification: Benign for Primary erythromelalgia. Last evaluated: 2023-05-04. Review status: criteria provided, single submitter. Criteria: ACMG Guidelines, 2015. Collection method: clinical testing. Allele origin: germline. Affected: yes.
Comment: European Non-Finnish population allele frequency is 3.096% (rs41268673, 4,055/128,392 alleles, 75 homozygotes in gnomAD v2.1). Based on the classification scheme RMH Modified ACMG/AMP Guidelines v1.4.0, this variant is classified as BENIGN. Following criteria are met: BA1

Illumina Laboratory Services, Illumina
Classification: Benign for Channelopathy-associated congenital insensitivity to pain, autosomal recessive. Last evaluated: 2018-03-06. Review status: criteria provided, single submitter. Criteria: ICSL Variant Classification Criteria 13 December 2019. Collection method: clinical testing. Allele origin: germline.
Comment: This variant was observed in the ICSL laboratory as part of a predisposition screen in an ostensibly healthy population. It had not been previously curated by ICSL or reported in the Human Gene Mutation Database (HGMD: prior to June 1st, 2018), and was therefore a candidate for classification through an automated scoring system. Utilizing variant allele frequency, disease prevalence and penetrance estimates, and inheritance mode, an automated score was calculated to assess if this variant is too frequent to cause the disease. Based on the score and internal cut-off values, a variant classified as benign is not then subjected to further curation. The score for this variant resulted in a classification of benign for this disease.

Illumina Laboratory Services, Illumina
Classification: Benign for Primary erythromelalgia. Last evaluated: 2018-03-06. Review status: criteria provided, single submitter. Criteria: ICSL Variant Classification Criteria 13 December 2019. Collection method: clinical testing. Allele origin: germline.
Comment: the same text as in the submission from Illumina Laboratory Services, Illumina above.

Illumina Laboratory Services, Illumina
Classification: Benign for Paroxysmal extreme pain disorder. Last evaluated: 2018-03-06. Review status: criteria provided, single submitter. Criteria: ICSL Variant Classification Criteria 13 December 2019. Collection method: clinical testing. Allele origin: germline.
Comment: the same text as in the submission from Illumina Laboratory Services, Illumina above.

Mayo Clinic Laboratories, Mayo Clinic
Classification: Benign. Last evaluated: 2016-04-13. Review status: criteria provided, single submitter. Criteria: ACMG Guidelines, 2015. Collection method: clinical testing. Allele origin: germline. Observed: 115 variant alleles.

Laboratory for Molecular Medicine, Mass General Brigham Personalized Medicine
Classification: Likely benign. Last evaluated: 2016-03-28. Review status: criteria provided, single submitter. Criteria: LMM Criteria. Collection method: clinical testing. Allele origin: germline.
Comment: Variant identified in a genome or exome case(s) and assessed due to predicted null impact of the variant or pathogenic assertions in the literature or databases. Disclaimer: This variant has not undergone full assessment. The following are preliminary notes: Frequency in ESP(all): 275/12878= 2.1%

Genomic Diagnostic Laboratory, Division of Genomic Diagnostics, Children's Hospital of Philadelphia
Classification: Benign. Last evaluated: 2015-07-20. Review status: criteria provided, single submitter. Criteria: DGD Variant Analysis Guidelines. Collection method: clinical testing. Allele origin: unknown.

Eurofins Ntd Llc (ga)
Classification: Benign. Last evaluated: 2014-04-30. Review status: criteria provided, single submitter. Criteria: EGL Classification Definitions 2015. Collection method: clinical testing. Allele origin: germline. Observed: 1 variant allele, 1 heterozygote.

Breakthrough Genomics
Classification: Likely benign. Review status: criteria provided, single submitter. Criteria: ACMG Guidelines, 2015. Collection method: not provided. Allele origin: germline. Inheritance: Autosomal recessive inheritance. Affected: yes.

PreventionGenetics, part of Exact Sciences
Classification: Benign. Review status: criteria provided, single submitter. Criteria: ACMG Guidelines, 2015. Collection method: clinical testing. Allele origin: germline.

Clinical Genetics, Academic Medical Center
Classification: Benign. Review status: no assertion criteria provided. Collection method: clinical testing. Allele origin: germline. Affected: yes. Study: VKGL Data-share Consensus. Not counted in ClinVar's aggregate classification.

GeneReviews
No classification provided. Condition: Primary erythromelalgia. Review status: no classification provided. Collection method: literature only. Allele origin: unknown. Not counted in ClinVar's aggregate classification.

Genetic Services Laboratory, University of Chicago
Classification: Likely benign for AllHighlyPenetrant. Review status: no assertion criteria provided. Collection method: clinical testing. Allele origin: germline. Inheritance: Autosomal dominant inheritance. Not counted in ClinVar's aggregate classification.
Comment: Likely benign based on allele frequency in 1000 Genomes Project or ESP global frequency and its presence in a patient with a rare or unrelated disease phenotype. NOT Sanger confirmed.

Genome Diagnostics Laboratory, University Medical Center Utrecht
Classification: Likely benign. Review status: no assertion criteria provided. Collection method: clinical testing. Allele origin: germline. Affected: yes. Study: VKGL Data-share Consensus. Not counted in ClinVar's aggregate classification.

Joint Genome Diagnostic Labs from Nijmegen and Maastricht, Radboudumc and MUMC+
Classification: Benign. Review status: no assertion criteria provided. Collection method: clinical testing. Allele origin: germline. Affected: yes. Study: VKGL Data-share Consensus. Not counted in ClinVar's aggregate classification.

Literature cited by the submitters: PubMed 28103821 (cited by Athena Diagnostics); PubMed 30538988 (cited by Athena Diagnostics); PubMed 37820178 (cited by Athena Diagnostics); PubMed 26770814 (cited by Athena Diagnostics); PubMed 27957625 (cited by Athena Diagnostics); PubMed 36722722 (cited by Athena Diagnostics); PubMed 38263462 (cited by Athena Diagnostics); PubMed 32766464 (cited by Athena Diagnostics); PubMed 29264398 (cited by Athena Diagnostics); PubMed 27884173 (cited by Athena Diagnostics); PubMed 18518989 (cited by Athena Diagnostics); PubMed 15955112 (cited by Athena Diagnostics and GeneReviews); PubMed 23895530 (cited by Athena Diagnostics); PubMed 23874707 (cited by Athena Diagnostics); PubMed 23129781 (cited by Athena Diagnostics); PubMed 20301342 (cited by GeneReviews); NCBI Bookshelf NBK1163 (cited by GeneReviews).